The following is an entry in ClinVar:

NM_001033855.3(DCLRE1C):c.291T>C (p.Asp97=)

Gene: DCLRE1C (DNA cross-link repair 1C; minus strand). Cytogenetic location: 10p13.
Variant type: single nucleotide variant.
Coding change: c.291T>C on transcript NM_001033855.3 (MANE Select); coding-DNA position 291, T replaced by C.
Protein change: p.Asp97=; no amino-acid change (aspartic acid 97 retained).
Molecular consequence: synonymous variant. On other transcripts: 5 prime UTR variant (5), missense variant (4), initiator codon variant (4), non-coding transcript variant (4).
Genome position (GRCh38, 1-based): chr10:14,939,825, A>G on the plus strand (T>C on the coding strand, the complement: DCLRE1C is on the minus strand). VCF-style: chr10-14939825-A-G. GRCh37 (hg19) VCF-style: chr10-14981824-A-G.
Other names: NM_001033855.3(DCLRE1C):c.291T>C; p.Asp97=; c.-70T>C (NM_001033857.3, NM_001033858.3, NM_001289077.2 and 2 more transcripts); c.2T>C, p.Met1Thr (NM_001289076.2, NM_001289078.2, NM_001350966.2 and 1 more transcripts); c.291T>C, p.Asp97= (NM_001350965.2); short protein forms M1T.
Identifiers: ClinVar variation 1144398 (VCV001144398.9), dbSNP rs1840574128, ClinGen allele CA376062237.
Genomic context (GRCh38, chr10:14,939,825, plus strand): 5'-AGCACCACATTTTTTTAAAAAAATCAATATTTAATATTTAGTTACCTCTCCTGATGCTTC[A>G]TCCACTAAAGATATCTGGGTAGGAGTCTCGATTTCAATAGATATCTATAAAAATAAAATA-3'
Protein context (NP_001029027.1, residues 87-107): IETPTQISLV[Asp97=]EASGEKEEIV

ClinVar aggregate classification (germline): Uncertain significance. Review status: reviewed by expert panel (3 of 4 stars). 2 submissions from 2 submitters: Uncertain significance (1). 1 of the submissions does not count toward it. Last evaluated 2024-06-13.

Conditions:
Severe combined immunodeficiency due to DCLRE1C deficiency (RS-SCID). Also called: SCID, AUTOSOMAL RECESSIVE, T CELL-NEGATIVE, B CELL-NEGATIVE, NK CELL-POSITIVE, WITH SENSITIVITY TO IONIZING RADIATION. Identifiers: Orphanet 275, MedGen C1865371, MONDO:0011225, OMIM 602450.

Allele frequency attached by ClinVar (database versions not stated): TOPMed below 0.00001; gnomAD exomes below 0.00001; gnomAD 0.00001.
gnomAD v4.1: 8 of 1,595,764 alleles (0.0005%); highest among the groups gnomAD compares: East Asian, 0.0045%; no homozygotes.

Submissions (2):

ClinGen Severe Combined Immunodeficiency Variant Curation Expert Panel, ClinGen
Classification: Uncertain significance for Severe combined immunodeficiency due to DCLRE1C deficiency. Last evaluated: 2024-06-13. Review status: reviewed by expert panel. Criteria: ClinGen SCID ACMG Specifications DCLRE1C V1.0.0. Collection method: curation. Allele origin: germline. Inheritance: Autosomal recessive inheritance.
Comment: The c.291T>C (NM_001033855.3) variant in the DCLRE1C gene is a synonymous variant (p.Asp97=). The filtering allele frequency (the upper threshold of the 95% CI of 2/44736 alleles) of the c.291T>C variant in DCLRE1C is 0.000007410 for East Asian chromosomes by gnomAD v4, which is lower than the ClinGen SCID VCEP threshold (<0.00003266) for PM2_Supporting, and therefore meets this criterion (PM2_Supporting). No homozygotes have been observed in gnomAD. According to at least two in silico tools (SpliceAI and varSEAK), this synonymous variant was not predicted to impact the consensus sequence or create a new site (BP7). To our knowledge, this variant has not been reported in the literature in individuals affected with SCID/DCLRE1C-related conditions or in functional studies. In summary, due to conflict evidence, this variant meets the criteria to be classified as a variant of uncertain significance for autosomal recessive severe combined immunodeficiency due to DCLRE1C deficiency based on the ACMG/AMP criteria applied, as specified by the ClinGen SCID VCEP: PM2_Supporting and BP7(VCEP specifications version 1).

Labcorp Genetics (formerly Invitae), Labcorp
Classification: Likely benign for Athabaskan severe combined immunodeficiency. Last evaluated: 2024-10-02. Review status: criteria provided, single submitter. Criteria: Invitae Variant Classification Sherloc (09022015). Collection method: clinical testing. Allele origin: germline. Not counted in ClinVar's aggregate classification.